The following is an entry in ClinVar:

NM_007294.4(BRCA1):c.1637_1647del (p.Met546fs)

Gene: BRCA1 (BRCA1 DNA repair associated; minus strand). Cytogenetic location: 17q21.31.
Variant type: Deletion.
Coding change: c.1637_1647del on transcript NM_007294.4 (MANE Select); coding-DNA positions 1637 to 1647, 11 bases deleted (TGAATATTACT).
Protein change: p.Met546fs; shifts the reading frame from methionine 546.
Molecular consequence: frameshift variant. On other transcripts: intron variant (137).
Genome position (GRCh38, 1-based): chr17:43,093,884-43,093,894, AGTAATATTCA deleted on the plus strand (TGAATATTACT on the coding strand, the reverse complement: BRCA1 is on the minus strand). VCF-style (leftmost placement, unchanged base first): chr17-43093883-TAGTAATATTCA-T. GRCh37 (hg19) VCF-style: chr17-41245900-TAGTAATATTCA-T.
Other names: c.1493_1503del, p.Met498fs (NM_001407849.1, NM_001407848.1, NM_001407740.1 and 20 more transcripts); c.1496_1506del, p.Met499fs (NM_001407850.1, NM_001407851.1, NM_001407852.1 and 29 more transcripts); c.577+850_577+860del (NM_001408485.1, NM_001408481.1, NM_001408480.1 and 9 more transcripts); c.661+850_661+860del (NM_001408447.1, NM_001408433.1, NM_001408446.1 and 6 more transcripts); c.784+850_784+860del (NM_001408392.1, NM_001407986.1, NM_001408400.1 and 13 more transcripts); c.646+850_646+860del (NM_001408410.1, NM_001408458.1, NM_001408469.1 and 11 more transcripts); c.709+850_709+860del (NM_001408415.1, NM_001408412.1, NM_001408409.1 and 2 more transcripts); c.664+850_664+860del (NM_001408441.1, NM_001408437.1, NM_001408429.1 and 12 more transcripts); and 40 more; short protein forms M434fs, M458fs, M475fs, M498fs, M519fs, M520fs, M418fs, M499fs.
Identifiers: ClinVar variation 2828992 (VCV002828992.3), dbSNP rs2552200713, ClinGen allele CA2638036577.

ClinVar aggregate classification (germline): Pathogenic (1 of 4 stars; one submission).

Conditions:
Hereditary breast ovarian cancer syndrome. Also called: Hereditary breast and ovarian cancer; BRCA1- and BRCA2-Associated Hereditary Breast and Ovarian Cancer; Hereditary breast and ovarian cancer syndrome; Hereditary breast and ovarian cancer syndrome (HBOC); Breast and ovarian cancer; Hereditary breast and/or ovarian cancer syndrome. Identifiers: Orphanet 145, MedGen C0677776, MeSH D061325, MONDO:0003582. Disease mechanism: loss of function.

Submission:

Labcorp Genetics (formerly Invitae), Labcorp
Classification: Pathogenic for Hereditary breast ovarian cancer syndrome. Last evaluated: 2023-04-28. Review status: criteria provided, single submitter. Criteria: Invitae Variant Classification Sherloc (09022015). Collection method: clinical testing. Allele origin: germline.
Comment: This sequence change creates a premature translational stop signal (p.Met546Lysfs*2) in the BRCA1 gene. It is expected to result in an absent or disrupted protein product. Loss-of-function variants in BRCA1 are known to be pathogenic (PMID: 20104584). This variant is not present in population databases (gnomAD no frequency). This variant has not been reported in the literature in individuals affected with BRCA1-related conditions. For these reasons, this variant has been classified as Pathogenic.

Literature cited by the submitters: PubMed 20104584.